The following is an entry in ClinVar:

NM_004725.4(BUB3):c.7G>A (p.Gly3Ser)

Gene: BUB3 (BUB3 mitotic checkpoint protein; plus strand). Cytogenetic location: 10q26.13.
Variant type: single nucleotide variant.
Coding change: c.7G>A on transcript NM_004725.4 (MANE Select); coding-DNA position 7, G replaced by A.
Protein change: p.Gly3Ser; replaces glycine 3 with serine.
Molecular consequence: missense variant.
Genome position (GRCh38, 1-based): chr10:123,154,924, G>A. VCF-style: chr10-123154924-G-A. GRCh37 (hg19) VCF-style: chr10-124914440-G-A.
Other names: c.7G>A, p.Gly3Ser (NM_001007793.3); short protein forms G3S.
Identifiers: ClinVar variation 1761596 (VCV001761596.3), dbSNP rs1266024018, ClinGen allele CA378624739.
Genomic context (GRCh38, chr10:123,154,924, plus strand): 5'-GTGCGCAGCCCCAGCCCGCGGGACCCCTGGGGACTCTGGGCGCCTGTTCTGCAGATGACC[G>A]GTTCTAACGAGTTCAAGCTGAACCAGCCACCCGAGGATGGCATCTCCTCCGTGAAGTTCA-3'
Protein context (NP_004716.1, residues 1-13): MT[Gly3Ser]SNEFKLNQPP

ClinVar aggregate classification (germline): Uncertain significance (1 of 4 stars; one submission).

gnomAD v4.1: 1 of 1,612,986 alleles (0.000062%); highest among the groups gnomAD compares: Non-Finnish European, 0.000085%; no homozygotes.

Submission:

Ambry Genetics
Classification: Uncertain significance. Last evaluated: 2022-04-20. Review status: criteria provided, single submitter. Criteria: Ambry Variant Classification Scheme 2023. Collection method: clinical testing. Allele origin: germline.
Comment: The p.G3S variant (also known as c.7G>A), located in coding exon 1 of the BUB3 gene, results from a G to A substitution at nucleotide position 7. The glycine at codon 3 is replaced by serine, an amino acid with similar properties. This amino acid position is conserved. In addition, this alteration is predicted to be tolerated by in silico analysis. Since supporting evidence is limited at this time, the clinical significance of this alteration remains unclear.